The following is an entry in ClinVar:

NM_017763.6(RNF43):c.1884C>T (p.Asp628=)

Gene: RNF43 (ring finger protein 43; minus strand). Cytogenetic location: 17q22.
Variant type: single nucleotide variant.
Coding change: c.1884C>T on transcript NM_017763.6 (MANE Select); coding-DNA position 1884, C replaced by T.
Protein change: p.Asp628=; no amino-acid change (aspartic acid 628 retained).
Molecular consequence: synonymous variant.
Genome position (GRCh38, 1-based): chr17:58,357,892, G>A on the plus strand (C>T on the coding strand, the complement: RNF43 is on the minus strand). VCF-style: chr17-58357892-G-A. GRCh37 (hg19) VCF-style: chr17-56435253-G-A.
Other names: c.1884C>T, p.Asp628= (NM_001305544.3); c.1503C>T, p.Asp501= (NM_001305545.2); c.1884C>T (NM_017763.4).
Identifiers: ClinVar variation 1167583 (VCV001167583.36), dbSNP rs146366849, ClinGen allele CA8673099.

ClinVar aggregate classification (germline): Benign/Likely benign. Review status: criteria provided, multiple submitters, no conflicts (2 of 4 stars). 6 submissions from 6 submitters: Benign (2); Likely benign (3). 1 of the submissions does not count toward it. Last evaluated 2026-07-02.

Conditions:
RNF43-related disorder. Also called: RNF43-related condition.
Sessile serrated polyposis cancer syndrome (SSPCS). Identifiers: Orphanet 157798, MedGen C4310714, MONDO:0014919, OMIM 617108.

Allele frequency attached by ClinVar (database versions not stated): gnomAD exomes 0.00008 and 0.00021; gnomAD 0.00053 and 0.00055; 1000 Genomes Project 30x 0.00062; 1000 Genomes Project 0.00060; ESP Exome Variant Server 0.00062; ExAC 0.00026; TOPMed 0.00052.
gnomAD v4.1: 209 of 1,613,822 alleles (0.013%); highest among the groups gnomAD compares: African/African-American, 0.16%; no homozygotes.

Submissions (6):

Myriad Genetics, Inc.
Classification: Benign for Sessile serrated polyposis cancer syndrome. Last evaluated: 2026-07-02. Review status: criteria provided, single submitter. Criteria: Myriad Autosomal Dominant, Autosomal Recessive and X-Linked Classification Criteria (2023). Collection method: clinical testing. Allele origin: unknown.
Comment: This variant is considered benign. This variant is a silent/synonymous amino acid change and it is not expected to impact splicing.

Labcorp Genetics (formerly Invitae), Labcorp
Classification: Benign. Last evaluated: 2026-01-20. Review status: criteria provided, single submitter. Criteria: Invitae Variant Classification Sherloc (09022015). Collection method: clinical testing. Allele origin: germline.

Department of Pathology and Laboratory Medicine, Sinai Health System
Classification: Likely benign for Sessile serrated polyposis cancer syndrome. Last evaluated: 2024-10-22. Review status: criteria provided, single submitter. Criteria: ACMG Guidelines, 2015. Collection method: clinical testing. Allele origin: germline.

Ambry Genetics
Classification: Likely benign. Last evaluated: 2024-08-21. Review status: criteria provided, single submitter. Criteria: Ambry Variant Classification Scheme 2023. Collection method: clinical testing. Allele origin: germline.

CeGaT Center for Human Genetics Tuebingen
Classification: Likely benign. Last evaluated: 2023-09-01. Review status: criteria provided, single submitter. Criteria: CeGaT Center For Human Genetics Tuebingen Variant Classification Criteria Version 2. Collection method: clinical testing. Allele origin: germline. Affected: yes. Observed: 1 variant allele.
Comment: RNF43: BP4, BP7

PreventionGenetics, part of Exact Sciences
Classification: Likely benign for RNF43-related condition. Last evaluated: 2019-11-06. Review status: no assertion criteria provided. Collection method: clinical testing. Allele origin: germline. Not counted in ClinVar's aggregate classification.
Comment: This variant is classified as likely benign based on ACMG/AMP sequence variant interpretation guidelines (Richards et al. 2015 PMID: 25741868, with internal and published modifications).